The following is an entry in ClinVar:

NM_003737.4(DCHS1):c.644G>A (p.Arg215Gln)

Gene: DCHS1 (dachsous cadherin-related 1; minus strand). Cytogenetic location: 11p15.4.
Variant type: single nucleotide variant.
Coding change: c.644G>A on transcript NM_003737.4 (MANE Select); coding-DNA position 644, G replaced by A.
Protein change: p.Arg215Gln; replaces arginine 215 with glutamine.
Molecular consequence: missense variant.
Genome position (GRCh38, 1-based): chr11:6,640,970, C>T on the plus strand (G>A on the coding strand, the complement: DCHS1 is on the minus strand). VCF-style: chr11-6640970-C-T. GRCh37 (hg19) VCF-style: chr11-6662201-C-T.
Other names: c.644G>A (NM_003737.2); short protein forms R215Q.
Identifiers: ClinVar variation 2354412 (VCV002354412.9), dbSNP rs529671660, ClinGen allele CA5861116.

ClinVar aggregate classification (germline): Uncertain significance. Review status: criteria provided, multiple submitters, no conflicts (2 of 4 stars). 3 submissions from 3 submitters: Uncertain significance (3). Last evaluated 2026-01-26.

Conditions:
Inborn genetic diseases. Identifiers: MedGen C0950123, MeSH D030342.
Van Maldergem syndrome 1 (VMLDS1). Also called: Van Maldergem syndrome 1 (VMLDS1). Identifiers: Orphanet 314679, MedGen C4551950, MONDO:0011070, OMIM 601390.

Allele frequency attached by ClinVar (database versions not stated): ExAC 0.00002; gnomAD 0.00003; TOPMed 0.00003; 1000 Genomes Project 30x 0.00016; 1000 Genomes Project 0.00020.

Submissions (3):

Labcorp Genetics (formerly Invitae), Labcorp
Classification: Uncertain significance. Last evaluated: 2026-01-26. Review status: criteria provided, single submitter. Criteria: Invitae Variant Classification Sherloc (09022015). Collection method: clinical testing. Allele origin: germline.
Comment: This sequence change replaces arginine, which is basic and polar, with glutamine, which is neutral and polar, at codon 215 of the DCHS1 protein (p.Arg215Gln). This variant is present in population databases (rs529671660, gnomAD 0.006%). This variant has not been reported in the literature in individuals affected with DCHS1-related conditions. ClinVar contains an entry for this variant (Variation ID: 2354412). An algorithm developed to predict the effect of missense changes on protein structure and function (PolyPhen-2) suggests that this variant is likely to be disruptive. In summary, the available evidence is currently insufficient to determine the role of this variant in disease. Therefore, it has been classified as a Variant of Uncertain Significance.

Neuberg Centre For Genomic Medicine, NCGM
Classification: Uncertain significance for Van Maldergem syndrome 1. Last evaluated: 2024-02-01. Review status: criteria provided, single submitter. Criteria: ACMG Guidelines, 2015. Collection method: clinical testing. Allele origin: germline. Inheritance: Autosomal recessive inheritance.
Comment: The missense c.644G>A (p.Arg215Gln) variant in DCHS1 gene has not been reported previously as a pathogenic variant nor as a benign variant, to our knowledge.

Ambry Genetics
Classification: Uncertain significance for Inborn genetic diseases. Last evaluated: 2022-01-26. Review status: criteria provided, single submitter. Criteria: Ambry Variant Classification Scheme 2023. Collection method: clinical testing. Allele origin: germline.